The following is an entry in ClinVar:

ClinVar aggregate classification (germline): Likely benign. Review status: criteria provided, multiple submitters, no conflicts (2 of 4 stars). 2 submissions from 2 submitters: Likely benign (2). Last evaluated 2025-08-01.

Conditions:
Rhabdoid tumor predisposition syndrome 2 (RTPS2). Identifiers: Orphanet 231108, Orphanet 69077, MedGen C2750074, MONDO:0013224, OMIM 613325.

Allele frequency attached by ClinVar (database versions not stated): gnomAD exomes below 0.00001.
gnomAD v4.1: 1 of 1,614,034 alleles (0.000062%); highest among the groups gnomAD compares: Non-Finnish European, 0.000085%; no homozygotes.

Submissions (2):

CeGaT Center for Human Genetics Tuebingen
Classification: Likely benign. Last evaluated: 2025-08-01. Review status: criteria provided, single submitter. Criteria: CeGaT Center For Human Genetics Tuebingen Variant Classification Criteria Version 2. Collection method: clinical testing. Allele origin: germline. Affected: yes. Observed: 1 variant allele.
Comment: SMARCA4: BP4, BP7

Labcorp Genetics (formerly Invitae), Labcorp
Classification: Likely benign for Rhabdoid tumor predisposition syndrome 2. Last evaluated: 2021-07-29. Review status: criteria provided, single submitter. Criteria: Invitae Variant Classification Sherloc (09022015). Collection method: clinical testing. Allele origin: germline.

NM_003072.5(SMARCA4):c.2430G>A (p.Val810=)

Gene: SMARCA4 (SWI/SNF related BAF chromatin remodeling complex subunit ATPase 4; plus strand). Cytogenetic location: 19p13.2.
Variant type: single nucleotide variant.
Coding change: c.2430G>A on transcript NM_003072.5 (MANE Select); coding-DNA position 2430, G replaced by A.
Protein change: p.Val810=; no amino-acid change (valine 810 retained).
Molecular consequence: synonymous variant. On other transcripts: non-coding transcript variant (1).
Genome position (GRCh38, 1-based): chr19:11,013,104, G>A. VCF-style: chr19-11013104-G-A. GRCh37 (hg19) VCF-style: chr19-11123780-G-A.
Other names: c.2430G>A, p.Val810= (NM_001128844.3, NM_001128845.2, NM_001128846.2 and 5 more transcripts).
Identifiers: ClinVar variation 1574750 (VCV001574750.16), dbSNP rs2146281550, ClinGen allele CA505489846.